The following is an entry in ClinVar:

NM_001085487.3(MYSM1):c.159G>A (p.Leu53=)

Gene: MYSM1 (Myb like, SWIRM and MPN domains 1; minus strand). Cytogenetic location: 1p32.1.
Variant type: single nucleotide variant.
Coding change: c.159G>A on transcript NM_001085487.3 (MANE Select); coding-DNA position 159, G replaced by A.
Protein change: p.Leu53=; no amino-acid change (leucine 53 retained).
Molecular consequence: synonymous variant.
Genome position (GRCh38, 1-based): chr1:58,692,920, C>T on the plus strand (G>A on the coding strand, the complement: MYSM1 is on the minus strand). VCF-style: chr1-58692920-C-T. GRCh37 (hg19) VCF-style: chr1-59158592-C-T.
Identifiers: ClinVar variation 2420279 (VCV002420279.4), dbSNP rs2524357546, ClinGen allele CA417987116.

ClinVar aggregate classification (germline): Uncertain significance (1 of 4 stars; one submission).

gnomAD v4.1: 1 of 1,606,302 alleles (0.000062%); no homozygotes.

Submission:

Labcorp Genetics (formerly Invitae), Labcorp
Classification: Uncertain significance. Last evaluated: 2022-04-11. Review status: criteria provided, single submitter. Criteria: Invitae Variant Classification Sherloc (09022015). Collection method: clinical testing. Allele origin: germline.
Comment: This sequence change affects codon 53 of the MYSM1 mRNA. It is a 'silent' change, meaning that it does not change the encoded amino acid sequence of the MYSM1 protein. This variant is not present in population databases (gnomAD no frequency). This variant has not been reported in the literature in individuals affected with MYSM1-related conditions. Algorithms developed to predict the effect of sequence changes on RNA splicing suggest that this variant may disrupt the consensus splice site. In summary, the available evidence is currently insufficient to determine the role of this variant in disease. Therefore, it has been classified as a Variant of Uncertain Significance.